The following is an entry in ClinVar:

NM_001385641.1(SAMD11):c.1580G>A (p.Arg527Gln)

Gene: SAMD11 (sterile alpha motif domain containing 11; plus strand). Cytogenetic location: 1p36.33.
Variant type: single nucleotide variant.
Coding change: c.1580G>A on transcript NM_001385641.1 (MANE Select); coding-DNA position 1580, G replaced by A.
Protein change: p.Arg527Gln; replaces arginine 527 with glutamine.
Molecular consequence: missense variant.
Genome position (GRCh38, 1-based): chr1:942,585, G>A. VCF-style: chr1-942585-G-A. GRCh37 (hg19) VCF-style: chr1-877965-G-A.
Other names: c.1583G>A, p.Arg528Gln (NM_001385640.1); c.1091G>A, p.Arg364Gln (NM_152486.4); short protein forms R364Q, R527Q, R528Q.
Identifiers: ClinVar variation 1058197 (VCV001058197.9), dbSNP rs1297360014, ClinGen allele CA337808095.
Genomic context (GRCh38, chr1:942,585, plus strand): 5'-GGAGGCGGCTGACCCGCGTCTGCCCCCGGCCCAGGCTGGAGCTGCCCGCCGACCTCCTGC[G>A]GCAGAAGGAGCTGGAGAGCGCGCGCCCACAGCTGCTGGCGCCCGAGACCGCCCTGCGCCC-3'
Protein context (NP_001372570.1, residues 517-537): ARLELPADLL[Arg527Gln]QKELESARPQ

ClinVar aggregate classification (germline): Uncertain significance (1 of 4 stars; one submission).

Allele frequency attached by ClinVar (database versions not stated): gnomAD exomes below 0.00001; TOPMed below 0.00001; gnomAD 0.00001.
gnomAD v4.1: 2 of 1,417,152 alleles (0.00014%); highest among the groups gnomAD compares: Non-Finnish European, 0.00018%; no homozygotes.

Submission:

Labcorp Genetics (formerly Invitae), Labcorp
Classification: Uncertain significance. Last evaluated: 2020-10-01. Review status: criteria provided, single submitter. Criteria: Invitae Variant Classification Sherloc (09022015). Collection method: clinical testing. Allele origin: germline.
Comment: This sequence change replaces arginine with glutamine at codon 364 of the SAMD11 protein (p.Arg364Gln). The arginine residue is highly conserved and there is a small physicochemical difference between arginine and glutamine. The frequency data for this variant in the population databases is considered unreliable, as metrics indicate insufficient coverage at this position in the ExAC database. This variant has not been reported in the literature in individuals with SAMD11-related conditions. Algorithms developed to predict the effect of missense changes on protein structure and function (SIFT, PolyPhen-2, Align-GVGD) all suggest that this variant is likely to be disruptive, but these predictions have not been confirmed by published functional studies and their clinical significance is uncertain. Algorithms developed to predict the effect of sequence changes on RNA splicing suggest that this variant may create or strengthen a splice site, but this prediction has not been confirmed by published transcriptional studies. In summary, the available evidence is currently insufficient to determine the role of this variant in disease. Therefore, it has been classified as a Variant of Uncertain Significance.